The following is an entry in ClinVar:

ClinVar aggregate classification (germline): Uncertain significance. Review status: criteria provided, multiple submitters, no conflicts (2 of 4 stars). 6 submissions from 6 submitters: Uncertain significance (5). 1 of the submissions does not count toward it. Last evaluated 2026-08-20.

Conditions:
CDH23-related disorder. Also called: CDH23-related condition; CDH23-related disorders.
Usher syndrome type 1 (USH1). Also called: RETINITIS PIGMENTOSA AND CONGENITAL DEAFNESS. Identifiers: Orphanet 231169, Orphanet 886, MedGen C1568247, MONDO:0010168, OMIM 276900.

Allele frequency attached by ClinVar (database versions not stated): gnomAD exomes 0.00002; ESP Exome Variant Server 0.00008; TOPMed 0.00015; ExAC 0.00002; gnomAD 0.00013 and 0.00014.
gnomAD v4.1: 47 of 1,613,908 alleles (0.0029%); highest among the groups gnomAD compares: African/African-American, 0.052%; no homozygotes.

Submissions (6):

PreventionGenetics, part of Exact Sciences
Classification: Uncertain significance for CDH23-related condition. Last evaluated: 2026-08-20. Review status: criteria provided, single submitter. Criteria: ACMG Guidelines, 2015. Collection method: clinical testing. Allele origin: germline.
Comment: The CDH23 c.3869C>T variant is predicted to result in the amino acid substitution p.Pro1290Leu. To our knowledge, this variant has not been reported in the literature. This variant is reported in 0.045% of alleles in individuals of African descent in gnomAD. At this time, the clinical significance of this variant is uncertain due to the absence of conclusive functional and genetic evidence.

Labcorp Genetics (formerly Invitae), Labcorp
Classification: Uncertain significance. Last evaluated: 2024-11-11. Review status: criteria provided, single submitter. Criteria: Invitae Variant Classification Sherloc (09022015). Collection method: clinical testing. Allele origin: germline.
Comment: This sequence change replaces proline, which is neutral and non-polar, with leucine, which is neutral and non-polar, at codon 1290 of the CDH23 protein (p.Pro1290Leu). This variant is present in population databases (rs377222292, gnomAD 0.04%). This variant has not been reported in the literature in individuals affected with CDH23-related conditions. ClinVar contains an entry for this variant (Variation ID: 162909). An algorithm developed to predict the effect of missense changes on protein structure and function outputs the following: PolyPhen-2: "Not Available". The leucine amino acid residue is found in multiple mammalian species, which suggests that this missense change does not adversely affect protein function. In summary, the available evidence is currently insufficient to determine the role of this variant in disease. Therefore, it has been classified as a Variant of Uncertain Significance.

Blueprint Genetics
Classification: Uncertain significance. Last evaluated: 2023-07-18. Review status: criteria provided, single submitter. Criteria: ACMG Guidelines, 2015. Collection method: clinical testing. Allele origin: germline.

GeneDx
Classification: Uncertain significance. Last evaluated: 2023-02-02. Review status: criteria provided, single submitter. Criteria: GeneDx Variant Classification Process June 2021. Collection method: clinical testing. Allele origin: germline. Affected: yes.
Comment: In silico analysis supports that this missense variant does not alter protein structure/function; Has not been previously published as pathogenic or benign to our knowledge; This variant is associated with the following publications: (PMID: 15537665)

Laboratory for Molecular Medicine, Mass General Brigham Personalized Medicine
Classification: Uncertain significance. Last evaluated: 2013-10-11. Review status: criteria provided, single submitter. Criteria: LMM Criteria. Collection method: clinical testing. Allele origin: germline. Observed: 1 variant allele.
Comment: Variant classified as Uncertain Significance - Favor Benign. The Pro1290Leu vari ant in CDH23 has not been reported in individuals with hearing loss, but has bee n identified in 0.02% (1/4234) of African American chromosomes by the NHLBI Exom e Sequencing Project (dbSNP rs377222292). Com putational analyses (biochemical amino acid properties, conservation, AlignGVGD, PolyPhen2, and SIFT) suggest that the Pro1290Leu variant may not impact the pro tein, though this information is not predictive enough to rule out pathogenicity . In summary, the clinical significance of this variant cannot be determined wit h certainty; however based upon the computational data, we would lean towards a more likely benign role.

Natera, Inc.
Classification: Uncertain significance for Usher syndrome type 1. Last evaluated: 2019-10-28. Review status: no assertion criteria provided. Collection method: clinical testing. Allele origin: germline. Not counted in ClinVar's aggregate classification.

NM_022124.6(CDH23):c.3869C>T (p.Pro1290Leu)

Genes: C10orf105 (chromosome 10 open reading frame 105; minus strand), CDH23 (cadherin related 23; plus strand). Cytogenetic location: 10q22.1.
Variant type: single nucleotide variant.
Coding change: c.3869C>T on transcript NM_022124.6 (MANE Select); coding-DNA position 3869, C replaced by T.
Protein change: p.Pro1290Leu; replaces proline 1290 with leucine.
Molecular consequence: missense variant. On other transcripts: intron variant (1).
Genome position (GRCh38, 1-based): chr10:71,732,140, C>T. VCF-style: chr10-71732140-C-T. GRCh37 (hg19) VCF-style: chr10-73491897-C-T.
Other names: c.3869C>T, p.Pro1290Leu (NM_001171930.2); c.-6+5588G>A (NM_001168390.2); short protein forms P1290L.
Identifiers: ClinVar variation 162909 (VCV000162909.52), dbSNP rs377222292, ClinGen allele CA175486.
Genomic context (GRCh38, chr10:71,732,140, plus strand): 5'-ACCTGGACTACGAGACCAAGACCAGCTACATGATGAATGTGTCGGCCACTGACCAGGCCC[C>T]GCCCTTCAACCAGGGCTTCTGCAGCGTCTACATCACTCTGCTCAACGAGCTGGACGAGGC-3'
Protein context (NP_071407.4, residues 1280-1300): MMNVSATDQA[Pro1290Leu]PFNQGFCSVY